The following is an entry in ClinVar:

ClinVar aggregate classification (germline): Likely benign. Review status: criteria provided, multiple submitters, no conflicts (2 of 4 stars). 2 submissions from 2 submitters: Likely benign (2). Last evaluated 2025-10-02.

Allele frequency attached by ClinVar (database versions not stated): TOPMed below 0.00001; gnomAD 0.00001; gnomAD exomes 0.00003; ExAC 0.00005.
gnomAD v4.1: 23 of 1,613,944 alleles (0.0014%); highest among the groups gnomAD compares: East Asian, 0.0045%; no homozygotes.

Submissions (2):

Labcorp Genetics (formerly Invitae), Labcorp
Classification: Likely benign. Last evaluated: 2025-10-02. Review status: criteria provided, single submitter. Criteria: Invitae Variant Classification Sherloc (09022015). Collection method: clinical testing. Allele origin: germline.

CeGaT Center for Human Genetics Tuebingen
Classification: Likely benign. Last evaluated: 2022-08-01. Review status: criteria provided, single submitter. Criteria: CeGaT Center For Human Genetics Tuebingen Variant Classification Criteria Version 2. Collection method: clinical testing. Allele origin: germline. Affected: yes. Observed: 1 variant allele.
Comment: SYT2: BP4, BP7

NM_177402.5(SYT2):c.909C>T (p.Gly303=)

Gene: SYT2 (synaptotagmin 2; minus strand). Cytogenetic location: 1q32.1.
Variant type: single nucleotide variant.
Coding change: c.909C>T on transcript NM_177402.5 (MANE Select); coding-DNA position 909, C replaced by T.
Protein change: p.Gly303=; no amino-acid change (glycine 303 retained).
Molecular consequence: synonymous variant.
Genome position (GRCh38, 1-based): chr1:202,600,367, G>A on the plus strand (C>T on the coding strand, the complement: SYT2 is on the minus strand). VCF-style: chr1-202600367-G-A. GRCh37 (hg19) VCF-style: chr1-202569495-G-A.
Other names: c.909C>T, p.Gly303= (NM_001136504.1).
Identifiers: ClinVar variation 1581523 (VCV001581523.32), dbSNP rs750425155, ClinGen allele CA1333669.